The following is an entry in ClinVar:

ClinVar aggregate classification (germline): Uncertain significance. Review status: criteria provided, multiple submitters, no conflicts (2 of 4 stars). 2 submissions from 2 submitters: Uncertain significance (2). Last evaluated 2024-10-25.

Conditions:
Inborn genetic diseases. Identifiers: MedGen C0950123, MeSH D030342.
Nephronophthisis 15 (NPHP15). Identifiers: Orphanet 3156, MedGen C3541853, MONDO:0013917, OMIM 614845.

gnomAD v4.1: 1 of 1,613,824 alleles (0.000062%); highest among the groups gnomAD compares: Non-Finnish European, 0.000085%; no homozygotes.

Submissions (2):

Labcorp Genetics (formerly Invitae), Labcorp
Classification: Uncertain significance for Nephronophthisis 15. Last evaluated: 2024-10-25. Review status: criteria provided, single submitter. Criteria: Invitae Variant Classification Sherloc (09022015). Collection method: clinical testing. Allele origin: germline.
Comment: This sequence change replaces arginine, which is basic and polar, with glycine, which is neutral and non-polar, at codon 914 of the CEP164 protein (p.Arg914Gly). This variant is not present in population databases (gnomAD no frequency). This variant has not been reported in the literature in individuals affected with CEP164-related conditions. ClinVar contains an entry for this variant (Variation ID: 962704). Invitae Evidence Modeling of protein sequence and biophysical properties (such as structural, functional, and spatial information, amino acid conservation, physicochemical variation, residue mobility, and thermodynamic stability) indicates that this missense variant is not expected to disrupt CEP164 protein function with a negative predictive value of 80%. In summary, the available evidence is currently insufficient to determine the role of this variant in disease. Therefore, it has been classified as a Variant of Uncertain Significance.

Ambry Genetics
Classification: Uncertain significance for Inborn genetic diseases. Last evaluated: 2022-07-08. Review status: criteria provided, single submitter. Criteria: Ambry Variant Classification Scheme 2023. Collection method: clinical testing. Allele origin: germline.

NM_014956.5(CEP164):c.2740C>G (p.Arg914Gly)

Gene: CEP164 (centrosomal protein 164; plus strand). Cytogenetic location: 11q23.3.
Variant type: single nucleotide variant.
Coding change: c.2740C>G on transcript NM_014956.5 (MANE Select); coding-DNA position 2740, C replaced by G.
Protein change: p.Arg914Gly; replaces arginine 914 with glycine.
Molecular consequence: missense variant.
Genome position (GRCh38, 1-based): chr11:117,394,473, C>G. VCF-style: chr11-117394473-C-G. GRCh37 (hg19) VCF-style: chr11-117265189-C-G.
Other names: c.2749C>G, p.Arg917Gly (NM_001271933.2); short protein forms R917G, R914G.
Identifiers: ClinVar variation 962704 (VCV000962704.11), dbSNP rs541217768, ClinGen allele CA382728657.
Genomic context (GRCh38, chr11:117,394,473, plus strand): 5'-GCCCATGAACGAGAACTGGAGACTGTGAGGCAGGAGCAACACAAGCGTCTTGAGGACTTG[C>G]GGCGCCGGCACAGGGAGCAGGTGAGGGGCCTGGGGCAGGGTGAGCCCACTGTGACCCCTC-3'
Protein context (NP_055771.4, residues 904-924): QEQHKRLEDL[Arg914Gly]RRHREQERKL